The following is an entry in ClinVar:

NM_024411.5(PDYN):c.626G>A (p.Gly209Asp)

Genes: PDYN (prodynorphin; minus strand), PDYN-AS1 (PDYN antisense RNA 1; plus strand). Cytogenetic location: 20p13.
Variant type: single nucleotide variant.
Coding change: c.626G>A on transcript NM_024411.5 (MANE Select); coding-DNA position 626, G replaced by A.
Protein change: p.Gly209Asp; replaces glycine 209 with aspartic acid.
Molecular consequence: missense variant.
Genome position (GRCh38, 1-based): chr20:1,980,462, C>T on the plus strand (G>A on the coding strand, the complement: PDYN is on the minus strand). VCF-style: chr20-1980462-C-T. GRCh37 (hg19) VCF-style: chr20-1961108-C-T.
Other names: p.Gly209Asp; c.626G>A, p.Gly209Asp (NM_001190892.1, NM_001190898.3, NM_001190899.2 and 1 more transcripts); short protein forms G209D.
Identifiers: ClinVar variation 3571566 (VCV003571566.3).

ClinVar aggregate classification (germline): Uncertain significance. Review status: criteria provided, multiple submitters, no conflicts (2 of 4 stars). 3 submissions from 3 submitters: Uncertain significance (3). Last evaluated 2025-10-22.

Conditions:
PDYN-related disorder. Also called: PDYN-related condition.

gnomAD v4.1: 13 of 1,613,044 alleles (0.00081%); highest among the groups gnomAD compares: Non-Finnish European, 0.001%; no homozygotes.

Submissions (3):

Mayo Clinic Laboratories, Mayo Clinic
Classification: Uncertain significance. Last evaluated: 2025-10-22. Review status: criteria provided, single submitter. Criteria: ACMG Guidelines, 2015. Collection method: clinical testing. Allele origin: germline. Observed: 1 variant allele.
Comment: PP3_moderate, PM2_supporting

Athena Diagnostics
Classification: Uncertain significance. Last evaluated: 2025-08-05. Review status: criteria provided, single submitter. Criteria: Athena Diagnostics Criteria. Collection method: clinical testing. Allele origin: unknown.
Comment: Available data are insufficient to determine the clinical significance of the variant at this time. The frequency of this variant in the general population is uninformative in assessment of its pathogenicity. Polyphen and MutationTaster predict this amino acid change may be damaging to the protein.

PreventionGenetics, part of Exact Sciences
Classification: Uncertain significance for PDYN-related condition. Last evaluated: 2025-01-10. Review status: criteria provided, single submitter. Criteria: ACMG Guidelines, 2015. Collection method: clinical testing. Allele origin: germline.
Comment: The PDYN c.626G>A variant is predicted to result in the amino acid substitution p.Gly209Asp. To our knowledge, this variant has not been reported in the literature. This variant is reported in 0.0062% of alleles in individuals of African descent in gnomAD. At this time, the clinical significance of this variant is uncertain due to the absence of conclusive functional and genetic evidence.